The following is an entry in ClinVar:

ClinVar aggregate classification (germline): Uncertain significance (1 of 4 stars; one submission).

Submission:

Labcorp Genetics (formerly Invitae), Labcorp
Classification: Uncertain significance. Last evaluated: 2025-05-22. Review status: criteria provided, single submitter. Criteria: Invitae Variant Classification Sherloc (09022015). Collection method: clinical testing. Allele origin: germline.
Comment: This sequence change replaces valine, which is neutral and non-polar, with leucine, which is neutral and non-polar, at codon 1946 of the KMT2A protein (p.Val1946Leu). This variant is not present in population databases (gnomAD no frequency). This variant has not been reported in the literature in individuals affected with KMT2A-related conditions. Invitae Evidence Modeling of protein sequence and biophysical properties (such as structural, functional, and spatial information, amino acid conservation, physicochemical variation, residue mobility, and thermodynamic stability) indicates that this missense variant is not expected to disrupt KMT2A protein function with a negative predictive value of 95%. In summary, the available evidence is currently insufficient to determine the role of this variant in disease. Therefore, it has been classified as a Variant of Uncertain Significance.

NM_001197104.2(KMT2A):c.5836G>T (p.Val1946Leu)

Gene: KMT2A (lysine methyltransferase 2A; plus strand). Cytogenetic location: 11q23.3.
Variant type: single nucleotide variant.
Coding change: c.5836G>T on transcript NM_001197104.2 (MANE Select); coding-DNA position 5836, G replaced by T.
Protein change: p.Val1946Leu; replaces valine 1946 with leucine.
Molecular consequence: missense variant.
Genome position (GRCh38, 1-based): chr11:118,498,403, G>T. VCF-style: chr11-118498403-G-T. GRCh37 (hg19) VCF-style: chr11-118369118-G-T.
Other names: c.5926G>T, p.Val1976Leu (NM_001412597.1); c.5827G>T, p.Val1943Leu (NM_005933.4); short protein forms V1943L, V1946L, V1976L.
Identifiers: ClinVar variation 4800545 (VCV004800545.1).